The following is an entry in ClinVar:

NM_032119.4(ADGRV1):c.5111-37C>T

Gene: ADGRV1 (adhesion G protein-coupled receptor V1; plus strand). Cytogenetic location: 5q14.3.
Variant type: single nucleotide variant.
Coding change: c.5111-37C>T on transcript NM_032119.4 (MANE Select); 37 bases into the intron before coding-DNA position 5111, C replaced by T.
Molecular consequence: intron variant.
Genome position (GRCh38, 1-based): chr5:90,675,206, C>T. VCF-style: chr5-90675206-C-T. GRCh37 (hg19) VCF-style: chr5-89971023-C-T.
Identifiers: ClinVar variation 1683849 (VCV001683849.2), dbSNP rs188513410, ClinGen allele CA3339494.
Genomic context (GRCh38, chr5:90,675,206, plus strand): 5'-CTGGTGATCAAAATAATTGTGTAAGATCGCTTTAATTGAATAAGAAATTCTTGCACAGTT[C>T]ATTGGGACAATGCCCTGGCCCCTTTGTCTCCACTAGGCTTGCTGCAGTTCTCCACAGGGC-3'

ClinVar aggregate classification (germline): Likely benign (1 of 4 stars; one submission).

Allele frequency attached by ClinVar (database versions not stated): gnomAD exomes 0.00029; ExAC 0.00042; 1000 Genomes Project 30x 0.00094; 1000 Genomes Project 0.00100; gnomAD 0.00123 and 0.00136; TOPMed 0.00129; ESP Exome Variant Server 0.00171.
gnomAD v4.1: 341 of 1,566,256 alleles (0.022%); highest among the groups gnomAD compares: African/African-American, 0.42%; 1 homozygote.

Submission:

GeneDx
Classification: Likely benign. Last evaluated: 2021-11-02. Review status: criteria provided, single submitter. Criteria: GeneDx Variant Classification Process June 2021. Collection method: clinical testing. Allele origin: germline. Affected: yes.
Comment: See Variant Classification Assertion Criteria.